The following is an entry in ClinVar:

NM_005816.5(CD96):c.983_984del (p.Lys328fs)

Gene: CD96 (CD96 molecule; plus strand). Cytogenetic location: 3q13.2.
Variant type: Deletion.
Coding change: c.983_984del on transcript NM_005816.5 (MANE Select); coding-DNA positions 983 to 984, 2 bases deleted (AA; older notation c.983_984delAA).
Protein change: p.Lys328fs; shifts the reading frame from lysine 328.
Molecular consequence: frameshift variant. On other transcripts: non-coding transcript variant (1).
Genome position (GRCh38, 1-based): chr3:111,600,810-111,600,811, AA deleted; deleting any 2 consecutive bases within chr3:111,600,809-111,600,811 gives the same sequence; the c. name uses the placement nearest the transcript's 3' end. VCF-style (leftmost placement, unchanged base first): chr3-111600808-TAA-T. GRCh37 (hg19) VCF-style: chr3-111319655-TAA-T.
Other names: c.983_984del, p.Lys328fs (NM_001318889.2, NM_001410800.1); c.1031_1032del, p.Lys344fs (NM_198196.3); short protein forms K328fs, K344fs.
Identifiers: ClinVar variation 3716685 (VCV003716685.2).

ClinVar aggregate classification (germline): Uncertain significance (1 of 4 stars; one submission).

Submission:

Labcorp Genetics (formerly Invitae), Labcorp
Classification: Uncertain significance. Last evaluated: 2024-09-17. Review status: criteria provided, single submitter. Criteria: Invitae Variant Classification Sherloc (09022015). Collection method: clinical testing. Allele origin: germline.
Comment: This sequence change creates a premature translational stop signal (p.Lys344Thrfs*21) in the CD96 gene. It is expected to result in an absent or disrupted protein product. However, the current clinical and genetic evidence is not sufficient to establish whether loss-of-function variants in CD96 cause disease. This variant is present in population databases (rs748809225, gnomAD 0.006%). This variant has not been reported in the literature in individuals affected with CD96-related conditions. Algorithms developed to predict the effect of sequence changes on RNA splicing suggest that this variant may disrupt the consensus splice site. In summary, the available evidence is currently insufficient to determine the role of this variant in disease. Therefore, it has been classified as a Variant of Uncertain Significance.